The following is an entry in ClinVar:

ClinVar aggregate classification (germline): Uncertain significance. Review status: criteria provided, multiple submitters, no conflicts (2 of 4 stars). 4 submissions from 4 submitters: Uncertain significance (4). Last evaluated 2024-04-16.

Conditions:
Malignant tumor of esophagus. Also called: Esophageal cancer; Esophageal cancer, somatic. Identifiers: Orphanet 99977, MedGen C0546837, MONDO:0007576, OMIM 133239.
Colorectal cancer, hereditary nonpolyposis, type 6. Also called: Colon cancer, hereditary nonpolyposis, type 6; Colon cancer, hereditary nonpolyposis, type 6, somatic. Identifiers: Orphanet 144, MedGen C1860896, MONDO:0013695, OMIM 614331.
Loeys-Dietz syndrome 2 (LDS2). Also called: TGFBR2-Related Loeys-Dietz Syndrome; AORTIC ANEURYSM, FAMILIAL THORACIC 3; MARFAN SYNDROME, TYPE II; Marfan Syndrome type 2; Marfan like connective tissue disorder; MFS 2. Identifiers: Orphanet 284973, Orphanet 558, MedGen C2674574, MONDO:0012427, OMIM 610168.
Familial thoracic aortic aneurysm and aortic dissection (TAAD). Also called: Thoracic aortic aneurysms and dissections. Identifiers: Orphanet 91387, MedGen C4707243, MONDO:0019625.

Allele frequency attached by ClinVar (database versions not stated): gnomAD exomes below 0.00001 and 0.00001; ExAC 0.00001; gnomAD 0.00003 and 0.00004; TOPMed 0.00004.
gnomAD v4.1: 12 of 1,614,006 alleles (0.00074%); highest among the groups gnomAD compares: African/African-American, 0.016%; no homozygotes.

Submissions (4):

All of Us Research Program, National Institutes of Health
Classification: Uncertain significance for Loeys-Dietz syndrome 2. Last evaluated: 2024-04-16. Review status: criteria provided, single submitter. Criteria: ACMG Guidelines, 2015. Collection method: clinical testing. Allele origin: germline. Inheritance: Autosomal dominant inheritance. Observed: 4 variant alleles, 4 heterozygotes.
Comment: This missense variant replaces valine with alanine at codon 439 of the TGFBR2 protein. Computational prediction suggests that this variant may not impact protein structure and function. To our knowledge, functional studies have not been reported for this variant. This variant has not been reported in individuals affected with TGFBR2-related disorders in the literature. This variant has been identified in 4/282854 chromosomes in the general population by the Genome Aggregation Database (gnomAD). The available evidence is insufficient to determine the role of this variant in disease conclusively. Therefore, this variant is classified as a Variant of Uncertain Significance.

This study involves interpretation of variants in research participants for the purpose of population health screening. Participant phenotype was not available at the time of variant classification. Additional details can be found in publication PMID: 35346344, PMCID: PMC8962531

Color Diagnostics, LLC DBA Color Health
Classification: Uncertain significance for Familial thoracic aortic aneurysm and aortic dissection. Last evaluated: 2024-02-22. Review status: criteria provided, single submitter. Criteria: ACMG Guidelines, 2015. Collection method: clinical testing. Allele origin: germline.
Comment: This missense variant replaces valine with alanine at codon 439 of the TGFBR2 protein. Computational prediction suggests that this variant may not impact protein structure and function. To our knowledge, functional studies have not been reported for this variant. This variant has not been reported in individuals affected with TGFBR2-related disorders in the literature. This variant has been identified in 4/282854 chromosomes in the general population by the Genome Aggregation Database (gnomAD). The available evidence is insufficient to determine the role of this variant in disease conclusively. Therefore, this variant is classified as a Variant of Uncertain Significance.

Labcorp Genetics (formerly Invitae), Labcorp
Classification: Uncertain significance for Familial thoracic aortic aneurysm and aortic dissection. Last evaluated: 2022-10-13. Review status: criteria provided, single submitter. Criteria: Invitae Variant Classification Sherloc (09022015). Collection method: clinical testing. Allele origin: germline.
Comment: This sequence change replaces valine, which is neutral and non-polar, with alanine, which is neutral and non-polar, at codon 439 of the TGFBR2 protein (p.Val439Ala). This variant is present in population databases (rs1050833, gnomAD 0.02%). This variant has not been reported in the literature in individuals affected with TGFBR2-related conditions. ClinVar contains an entry for this variant (Variation ID: 920545). Algorithms developed to predict the effect of missense changes on protein structure and function (SIFT, PolyPhen-2, Align-GVGD) all suggest that this variant is likely to be tolerated. In summary, the available evidence is currently insufficient to determine the role of this variant in disease. Therefore, it has been classified as a Variant of Uncertain Significance.

Fulgent Genetics
Classification: Uncertain significance for Malignant tumor of esophagus; Loeys-Dietz syndrome 2; Colorectal cancer, hereditary nonpolyposis, type 6. Last evaluated: 2021-11-09. Review status: criteria provided, single submitter. Criteria: ACMG Guidelines, 2015. Collection method: clinical testing. Allele origin: unknown.

NM_003242.6(TGFBR2):c.1316T>C (p.Val439Ala)

Gene: TGFBR2 (transforming growth factor beta receptor 2; plus strand). Cytogenetic location: 3p24.1.
Variant type: single nucleotide variant.
Coding change: c.1316T>C on transcript NM_003242.6 (MANE Select); coding-DNA position 1316, T replaced by C.
Protein change: p.Val439Ala; replaces valine 439 with alanine.
Molecular consequence: missense variant.
Genome position (GRCh38, 1-based): chr3:30,674,166, T>C. VCF-style: chr3-30674166-T-C. GRCh37 (hg19) VCF-style: chr3-30715658-T-C.
Other names: c.1424T>C, p.Val475Ala (NM_001407127.1); c.1343T>C, p.Val448Ala (NM_001407128.1); c.1319T>C, p.Val440Ala (NM_001407129.1); c.1316T>C, p.Val439Ala (NM_001407130.1); c.1211T>C, p.Val404Ala (NM_001407132.1, NM_001407133.1, NM_001407134.1 and 2 more transcripts); c.1031T>C, p.Val344Ala (NM_001407137.1); c.956T>C, p.Val319Ala (NM_001407138.1); c.1391T>C, p.Val464Ala (NM_001024847.3); and 1 more; short protein forms V464A, V439A, V448A, V404A, V319A, V440A, V475A, V500A.
Identifiers: ClinVar variation 920545 (VCV000920545.10), dbSNP rs1050833, ClinGen allele CA046294.